The following is an entry in ClinVar:

NM_001009944.3(PKD1):c.2986-12del

Gene: PKD1 (polycystin 1, transient receptor potential channel interacting; minus strand). Cytogenetic location: 16p13.3.
Variant type: Deletion.
Coding change: c.2986-12del on transcript NM_001009944.3 (MANE Select); 12 bases into the intron before coding-DNA position 2986, one base deleted (C; older notation c.2986-12delC).
Molecular consequence: intron variant.
Genome position (GRCh38, 1-based): chr16:2,112,975, G deleted on the plus strand (C on the coding strand, the reverse complement: PKD1 is on the minus strand); the first of 2 consecutive G bases (chr16:2,112,975-2,112,976); deleting either gives the same sequence. VCF-style (leftmost placement, unchanged base first): chr16-2112974-AG-A. GRCh37 (hg19) VCF-style: chr16-2162975-AG-A.
Other names: c.2986-12del (NM_000296.4).
Identifiers: ClinVar variation 997294 (VCV000997294.1), dbSNP rs2092557921, ClinGen allele CA2202048725.

ClinVar aggregate classification (germline): Uncertain significance (0 of 4 stars; one submission).

Conditions:
Polycystic kidney disease. Also called: Polycystic kidney dysplasia; Kidney, Polycystic. Identifiers: MedGen C0022680, MeSH D007690, MONDO:0020642, HP:0000113.

Submission:

Department of Pathology and Laboratory Medicine, Sinai Health System
Classification: Uncertain significance for Polycystic Kidney disease. Review status: no assertion criteria provided. Collection method: clinical testing. Allele origin: unknown. Affected: yes. Study: The Canadian Open Genetics Repository (COGR).
Comment: The PKD1 c.2986-12del variant was not identified in the literature nor was it identified in the dbSNP, ClinVar, LOVD 3.0, ADPKD Mutation Database, PKD1-LOVD, Exome Aggregation Consortium (August 8th 2016) or the Genome Aggregation Database (Feb 27, 2017). The c.2986-12del variant is located in the 3' splice region but does not affect the invariant -1 and -2 positions. However, positions -3 and -5 to -12 are part of the splicing consensus sequence and variants involving these positions sometimes affect splicing. 1 of 4 in silico or computational prediction software programs (SpliceSiteFinder, MaxEntScan, NNSPLICE, GeneSplicer) predict a greater than 10% difference in splicing; this is not very predictive of pathogenicity. In summary, based on the above information the clinical significance of this variant cannot be determined with certainty at this time. This variant is classified as a variant of uncertain significance.